The following is an entry in ClinVar:

NM_000284.4(PDHA1):c.1125_1145dup (p.Asn381_Gln382insHisGluValArgGlyAlaAsn)

Gene: PDHA1 (pyruvate dehydrogenase E1 subunit alpha 1; plus strand). Cytogenetic location: Xp22.12.
Variant type: Duplication.
Coding change: c.1125_1145dup on transcript NM_000284.4 (MANE Select); coding-DNA positions 1125 to 1145, 21 bases duplicated (TGAAGTTCGTGGTGCCAATCA).
Protein change: p.Asn381_Gln382insHisGluValArgGlyAlaAsn.
Molecular consequence: inframe insertion.
Genome position (GRCh38, 1-based): chrX:19,359,605-19,359,625, TGAAGTTCGTGGTGCCAATCA duplicated. VCF-style (leftmost placement, unchanged base first): chrX-19359604-T-TTGAAGTTCGTGGTGCCAATCA. GRCh37 (hg19) VCF-style: chrX-19377722-T-TTGAAGTTCGTGGTGCCAATCA.
Other names: c.1239_1259dup, p.Asn419_Gln420insHisGluValArgGlyAlaAsn (NM_001173454.2); c.1146_1166dup, p.Asn388_Gln389insHisGluValArgGlyAlaAsn (NM_001173455.2); c.1032_1052dup, p.Asn350_Gln351insHisGluValArgGlyAlaAsn (NM_001173456.2).
Identifiers: ClinVar variation 3600305 (VCV003600305.2).

ClinVar aggregate classification (germline): Uncertain significance (1 of 4 stars; one submission).

Conditions:
Pyruvate dehydrogenase E1-alpha deficiency (PDHAD). Also called: ATAXIA, INTERMITTENT, WITH PYRUVATE DEHYDROGENASE DEFICIENCY; ATAXIA WITH LACTIC ACIDOSIS I; ATAXIA, INTERMITTENT, WITH ABNORMAL PYRUVATE METABOLISM; Ataxia, intermittent, with pyruvate dehydrogenase, or decarboxylase, deficiency. Identifiers: Orphanet 79243, MedGen C1839413, MONDO:0010717, OMIM 312170.

Submission:

Columbia University Laboratory of Personalized Genomic Medicine, Columbia University Medical Center
Classification: Uncertain significance for Pyruvate dehydrogenase E1-alpha deficiency. Last evaluated: 2025-01-17. Review status: criteria provided, single submitter. Criteria: ACMG Guidelines, 2015. Collection method: clinical testing. Allele origin: de novo. Inheritance: X-linked dominant inheritance. Affected: yes. Observed: 1 hemizygote.
Comment: The PDHA1(NM_000284.4):c.1125_1145dup p.(Asn381_Gln382insHisGluValArgGlyAlaAsn) is an inframe variant in exon 11/11 of the gene which extends the protein length by 7 amino acids. This inframe variant is absent in gnomAD population databases and has not been previously reported. To date, 19 insertions/duplications in PDHA1 have been reported to cause phenotypes associated with PDHA1 deficiency. Insertion/deletion mutations occur preferentially in exons 10 and 11, while missense/nonsense mutations are found in all exons(PMID:10679936).This novel, non-truncating variant, is located in an exonic hotspot as several pathogenic or likely pathogenic reported variants were found in a 45bp region surrounding this variant in exon 11 within the region 19377711-19377756 without any missense benign variants (Clivar Variation ID: 10889,10871, 214947). Given this information and in the absence of functional data, this variant is classified as variant of unknown significance.